The following is an entry in ClinVar:

ClinVar aggregate classification (germline): Likely pathogenic. Review status: criteria provided, single submitter (1 of 4 stars). 2 submissions from 2 submitters: Likely pathogenic (1). 1 of the submissions does not count toward it. Last evaluated 2022-12-14.

Conditions:
Polycystic kidney disease, adult type (PKD1). Also called: Polycystic Kidney Disease 1, Autosomal Dominant; Polycystic kidney disease 1; Polycystic kidney disease 1, severe; Polycystic Kidney, Autosomal Dominant; POLYCYSTIC KIDNEY DISEASE, ADULT, TYPE I; POLYCYSTIC KIDNEY DISEASE 1 WITH OR WITHOUT POLYCYSTIC LIVER DISEASE. Identifiers: MedGen C3149841, MONDO:0008263, OMIM 173900.
PKD1-related disorder. Also called: PKD1-related condition.

gnomAD v4.1: 1 of 1,590,626 alleles (0.000063%); highest among the groups gnomAD compares: South Asian, 0.0011%; no homozygotes.

Submissions (2):

PreventionGenetics, part of Exact Sciences
Classification: Likely pathogenic for PKD1-related condition. Last evaluated: 2022-12-14. Review status: criteria provided, single submitter. Criteria: ACMG Guidelines, 2015. Collection method: clinical testing. Allele origin: germline.
Comment: The PKD1 c.5830G>T variant is predicted to result in premature protein termination (p.Gly1944*). To our knowledge, this variant has not been reported in the literature or in a large population database, indicating this variant is rare. Nonsense variants in PKD1 are expected to be pathogenic. This variant is interpreted as likely pathogenic.

Bioscientia Institut fuer Medizinische Diagnostik GmbH, Sonic Healthcare
Classification: Pathogenic for Polycystic kidney disease, adult type. Last evaluated: 2018-11-26. Review status: no assertion criteria provided. Collection method: clinical testing. Allele origin: germline. Affected: yes. Not counted in ClinVar's aggregate classification.

NM_001009944.3(PKD1):c.5830G>T (p.Gly1944Ter)

Gene: PKD1 (polycystin 1, transient receptor potential channel interacting; minus strand). Cytogenetic location: 16p13.3.
Variant type: single nucleotide variant.
Coding change: c.5830G>T on transcript NM_001009944.3 (MANE Select); coding-DNA position 5830, G replaced by T.
Protein change: p.Gly1944Ter; replaces glycine 1944 with a stop codon.
Molecular consequence: nonsense.
Genome position (GRCh38, 1-based): chr16:2,109,337, C>A on the plus strand (G>T on the coding strand, the complement: PKD1 is on the minus strand). VCF-style: chr16-2109337-C-A. GRCh37 (hg19) VCF-style: chr16-2159338-C-A.
Other names: c.5830G>T, p.Gly1944Ter (NM_000296.4); short protein forms G1944*.
Identifiers: ClinVar variation 635520 (VCV000635520.3), dbSNP rs200001471, ClinGen allele CA394375380.